The following is an entry in ClinVar:

ClinVar aggregate classification (germline): Uncertain significance (1 of 4 stars; one submission).

Conditions:
Combined immunodeficiency due to LRBA deficiency. Also called: Common variable immunodeficiency 8, with autoimmunity. Identifiers: Orphanet 445018, MedGen C3553512, MONDO:0013863, OMIM 614700.

Allele frequency attached by ClinVar (database versions not stated): ExAC 0.00001; gnomAD 0.00001 and 0.00002; gnomAD exomes 0.00001; TOPMed 0.00002; 1000 Genomes Project 0.00020; 1000 Genomes Project 30x 0.00031.
gnomAD v4.1: 8 of 1,611,778 alleles (0.0005%); highest among the groups gnomAD compares: Admixed American, 0.013%; no homozygotes.

Submission:

Labcorp Genetics (formerly Invitae), Labcorp
Classification: Uncertain significance for Combined immunodeficiency due to LRBA deficiency. Last evaluated: 2024-01-08. Review status: criteria provided, single submitter. Criteria: Invitae Variant Classification Sherloc (09022015). Collection method: clinical testing. Allele origin: germline.
Comment: This sequence change replaces leucine, which is neutral and non-polar, with isoleucine, which is neutral and non-polar, at codon 826 of the LRBA protein (p.Leu826Ile). This variant is present in population databases (rs183837092, gnomAD 0.006%). This variant has not been reported in the literature in individuals affected with LRBA-related conditions. ClinVar contains an entry for this variant (Variation ID: 1043176). Advanced modeling of protein sequence and biophysical properties (such as structural, functional, and spatial information, amino acid conservation, physicochemical variation, residue mobility, and thermodynamic stability) performed at Invitae indicates that this missense variant is not expected to disrupt LRBA protein function with a negative predictive value of 80%. Algorithms developed to predict the effect of sequence changes on RNA splicing suggest that this variant may disrupt the consensus splice site. In summary, the available evidence is currently insufficient to determine the role of this variant in disease. Therefore, it has been classified as a Variant of Uncertain Significance.

NM_001364905.1(LRBA):c.2476C>A (p.Leu826Ile)

Gene: LRBA (LPS responsive beige-like anchor protein; minus strand). Cytogenetic location: 4q31.3.
Variant type: single nucleotide variant.
Coding change: c.2476C>A on transcript NM_001364905.1 (MANE Select); coding-DNA position 2476, C replaced by A.
Protein change: p.Leu826Ile; replaces leucine 826 with isoleucine.
Molecular consequence: missense variant.
Genome position (GRCh38, 1-based): chr4:150,868,279, G>T on the plus strand (C>A on the coding strand, the complement: LRBA is on the minus strand). VCF-style: chr4-150868279-G-T. GRCh37 (hg19) VCF-style: chr4-151789431-G-T.
Other names: c.2476C>A, p.Leu826Ile (NM_001199282.3, NM_001367550.1, NM_006726.5); short protein forms L826I.
Identifiers: ClinVar variation 1043176 (VCV001043176.7), dbSNP rs183837092, ClinGen allele CA3103226.